The following is an entry in ClinVar:

ClinVar aggregate classification (germline): Uncertain significance (1 of 4 stars; one submission).

Conditions:
Hereditary cancer-predisposing syndrome. Also called: Tumor predisposition; Neoplastic Syndromes, Hereditary; Hereditary Cancer Syndrome; Hereditary neoplastic syndrome. Identifiers: Orphanet 140162, MedGen C0027672, MeSH D009386, MONDO:0015356.

Submission:

Ambry Genetics
Classification: Uncertain significance for Hereditary cancer-predisposing syndrome. Last evaluated: 2024-08-26. Review status: criteria provided, single submitter. Criteria: Ambry Variant Classification Scheme 2023. Collection method: clinical testing. Allele origin: germline.
Comment: The p.K870R variant (also known as c.2609A>G), located in coding exon 16 of the CDH1 gene, results from an A to G substitution at nucleotide position 2609. The lysine at codon 870 is replaced by arginine, an amino acid with highly similar properties. This amino acid position is well conserved in available vertebrate species. In addition, this alteration is predicted to be tolerated by in silico analysis. Based on the available evidence, the clinical significance of this variant remains unclear.

NM_004360.5(CDH1):c.2609A>G (p.Lys870Arg)

Gene: CDH1 (cadherin 1; plus strand). Cytogenetic location: 16q22.1.
Variant type: single nucleotide variant.
Coding change: c.2609A>G on transcript NM_004360.5 (MANE Select); coding-DNA position 2609, A replaced by G.
Protein change: p.Lys870Arg; replaces lysine 870 with arginine.
Molecular consequence: missense variant.
Genome position (GRCh38, 1-based): chr16:68,833,459, A>G. VCF-style: chr16-68833459-A-G. GRCh37 (hg19) VCF-style: chr16-68867362-A-G.
Other names: c.2426A>G, p.Lys809Arg (NM_001317184.2); c.1061A>G, p.Lys354Arg (NM_001317185.2); c.644A>G, p.Lys215Arg (NM_001317186.2); short protein forms K354R, K215R, K809R, K870R.
Identifiers: ClinVar variation 3488643 (VCV003488643.1).
Genomic context (GRCh38, chr16:68,833,459, plus strand): 5'-CCTCAGAGTCAGACAAAGACCAGGACTATGACTACTTGAACGAATGGGGCAATCGCTTCA[A>G]GAAGCTGGCTGACATGTACGGAGGCGGCGAGGACGACTAGGGGACTCGAGAGAGGCGGGC-3'
Protein context (NP_004351.1, residues 860-880): DYLNEWGNRF[Lys870Arg]KLADMYGGGE